The following is an entry in ClinVar:

NM_000719.7(CACNA1C):c.1953C>T (p.Ile651=)

Gene: CACNA1C (calcium voltage-gated channel subunit alpha1 C; plus strand). Cytogenetic location: 12p13.33.
Variant type: single nucleotide variant.
Coding change: c.1953C>T on transcript NM_000719.7 (MANE Select); coding-DNA position 1953, C replaced by T.
Protein change: p.Ile651=; no amino-acid change (isoleucine 651 retained).
Molecular consequence: synonymous variant.
Genome position (GRCh38, 1-based): chr12:2,581,647, C>T. VCF-style: chr12-2581647-C-T. GRCh37 (hg19) VCF-style: chr12-2690813-C-T.
Other names: c.1953C>T, p.Ile651= (NM_001129827.2, NM_001129829.2, NM_001129830.3 and 18 more transcripts); c.1944C>T, p.Ile648= (NM_001129844.2).
Identifiers: ClinVar variation 456949 (VCV000456949.20), dbSNP rs762656408, ClinGen allele CA6388885.
Genomic context (GRCh38, chr12:2,581,647, plus strand): 5'-CAGGTACTGGAACTCCTTGAGCAACCTGGTGGCATCCTTGCTGAACTCTGTGCGCTCCAT[C>T]GCCTCCCTGCTCCTTCTCCTCTTCCTCTTCATCATCATCTTCTCCCTCCTGGGGATGCAG-3'
Protein context (NP_000710.5, residues 641-661): VASLLNSVRS[Ile651=]ASLLLLLFLF

ClinVar aggregate classification (germline): Benign/Likely benign. Review status: criteria provided, multiple submitters, no conflicts (2 of 4 stars). 5 submissions from 5 submitters: Benign (1); Likely benign (4). Last evaluated 2026-04-01.

Conditions:
Long QT syndrome (LQTS). Identifiers: MedGen C0023976, MeSH D008133, MONDO:0002442. Disease mechanism: loss of function. Inheritance: Various modes of inheritance.
Cardiovascular phenotype. Identifiers: MedGen CN230736.

Allele frequency attached by ClinVar (database versions not stated): TOPMed 0.00006; gnomAD 0.00010; gnomAD exomes 0.00013; ExAC 0.00027.
gnomAD v4.1: 224 of 1,599,686 alleles (0.014%); highest among the groups gnomAD compares: South Asian, 0.025%; no homozygotes.

Submissions (5):

CeGaT Center for Human Genetics Tuebingen
Classification: Likely benign. Last evaluated: 2026-04-01. Review status: criteria provided, single submitter. Criteria: CeGaT Center For Human Genetics Tuebingen Variant Classification Criteria Version 2. Collection method: clinical testing. Allele origin: germline. Affected: yes. Observed: 1 variant allele.
Comment: CACNA1C: BP4, BP7

Labcorp Genetics (formerly Invitae), Labcorp
Classification: Likely benign for Long QT syndrome. Last evaluated: 2026-01-19. Review status: criteria provided, single submitter. Criteria: Invitae Variant Classification Sherloc (09022015). Collection method: clinical testing. Allele origin: germline.

Blueprint Genetics
Classification: Likely benign. Last evaluated: 2024-09-09. Review status: criteria provided, single submitter. Criteria: ACMG Guidelines, 2015. Collection method: clinical testing. Allele origin: germline.

Ambry Genetics
Classification: Likely benign for Cardiovascular phenotype. Last evaluated: 2016-01-15. Review status: criteria provided, single submitter. Criteria: Ambry Variant Classification Scheme 2023. Collection method: clinical testing. Allele origin: germline.

GeneDx
Classification: Benign. Last evaluated: 2015-03-03. Review status: criteria provided, single submitter. Criteria: GeneDx Variant Classification Process June 2021. Collection method: clinical testing. Allele origin: germline. Affected: yes.